The following is an entry in ClinVar:

ClinVar aggregate classification (germline): Pathogenic (1 of 4 stars; one submission).

Conditions:
Duchenne muscular dystrophy (DMD). Also called: MUSCULAR DYSTROPHY, PSEUDOHYPERTROPHIC PROGRESSIVE, DUCHENNE TYPE; Duchenne Muscular Dystrophy (DMD). Identifiers: Orphanet 98896, MedGen C0013264, MONDO:0010679, OMIM 310200.

Submission:

Labcorp Genetics (formerly Invitae), Labcorp
Classification: Pathogenic for Duchenne muscular dystrophy. Last evaluated: 2023-12-22. Review status: criteria provided, single submitter. Criteria: Invitae Variant Classification Sherloc (09022015). Collection method: clinical testing. Allele origin: germline.
Comment: This variant is a gross deletion of the genomic region encompassing exon(s) 5-41 of the DMD gene. This variant would be expected to be in-frame, preserving the integrity of the reading frame. A similar copy number variant has been observed in individual(s) with Duchenne or Becker muscular dystrophy (PMID: 16030524). The region of the DMD gene that includes exon(s) 40 has been determined to be clinically significant (PMID: 16770791, 28116794). Therefore, deletions that encompass that region are likely to be disease-causing. For these reasons, this variant has been classified as Pathogenic.

Literature cited by the submitters: PubMed 16030524; PubMed 16770791; PubMed 28116794.

NC_000023.10:g.(?_32360197)_(32841967_?)del

Gene: DMD (dystrophin; minus strand). Cytogenetic location: Xp21.1.
Variant type: Deletion.
Identifiers: ClinVar variation 1076144 (VCV001076144.8).